The following is an entry in ClinVar:

NM_000044.6(AR):c.847C>T (p.Pro283Ser)

Gene: AR (androgen receptor; plus strand). Cytogenetic location: Xq12.
Variant type: single nucleotide variant.
Coding change: c.847C>T on transcript NM_000044.6 (MANE Select); coding-DNA position 847, C replaced by T.
Protein change: p.Pro283Ser; replaces proline 283 with serine.
Molecular consequence: missense variant. On other transcripts: 5 prime UTR variant (1).
Genome position (GRCh38, 1-based): chrX:67,545,993, C>T. VCF-style: chrX-67545993-C-T. GRCh37 (hg19) VCF-style: chrX-66765835-C-T.
Other names: c.-937C>T (NM_001011645.3); c.847C>T, p.Pro283Ser (NM_001348061.1, NM_001348063.1, NM_001348064.1); short protein forms P283S.
Identifiers: ClinVar variation 1030550 (VCV001030550.1), dbSNP rs1929708922, ClinGen allele CA413425770.

ClinVar aggregate classification (germline): Uncertain significance (1 of 4 stars; one submission).

Conditions:
Androgen resistance syndrome (AIS). Also called: ANDROGEN RECEPTOR DEFICIENCY; DIHYDROTESTOSTERONE RECEPTOR DEFICIENCY; TESTICULAR FEMINIZATION SYNDROME; Androgen insensitivity syndrome; Androgen insensitivity, complete; DHTR DEFICIENCY. Identifiers: Orphanet 754, Orphanet 99429, MedGen C0039585, MONDO:0019154, OMIM 300068. Disease mechanism: loss of function.

Submission:

Baylor Genetics
Classification: Uncertain significance for Androgen resistance syndrome. Last evaluated: 2020-09-17. Review status: criteria provided, single submitter. Criteria: ACMG Guidelines, 2015. Collection method: clinical testing. Allele origin: unknown. Affected: yes.
Comment: This variant was determined to be of uncertain significance according to ACMG Guidelines, 2015 [PMID:25741868].